The following is an entry in ClinVar:

NM_133433.4(NIPBL):c.7330G>A (p.Glu2444Lys)

Gene: NIPBL (NIPBL cohesin loading factor; plus strand). Cytogenetic location: 5p13.2.
Variant type: single nucleotide variant.
Coding change: c.7330G>A on transcript NM_133433.4 (MANE Select); coding-DNA position 7330, G replaced by A.
Protein change: p.Glu2444Lys; replaces glutamic acid 2444 with lysine.
Molecular consequence: missense variant.
Genome position (GRCh38, 1-based): chr5:37,057,252, G>A. VCF-style: chr5-37057252-G-A. GRCh37 (hg19) VCF-style: chr5-37057354-G-A.
Other names: c.7330G>A, p.Glu2444Lys (NM_015384.5); short protein forms E2444K.
Identifiers: ClinVar variation 497223 (VCV000497223.7), dbSNP rs1554034440, ClinGen allele CA359514066.

ClinVar aggregate classification (germline): Uncertain significance. Review status: criteria provided, multiple submitters, no conflicts (2 of 4 stars). 2 submissions from 2 submitters: Uncertain significance (2). Last evaluated 2021-06-21.

Submissions (2):

GeneDx
Classification: Uncertain significance. Last evaluated: 2021-06-21. Review status: criteria provided, single submitter. Criteria: GeneDx Variant Classification Process June 2021. Collection method: clinical testing. Allele origin: germline. Affected: yes.
Comment: Not observed at significant frequency in large population cohorts (Lek et al., 2016); In silico analysis supports that this missense variant has a deleterious effect on protein structure/function; Has not been previously published as pathogenic or benign to our knowledge; This variant is associated with the following publications: (PMID: 27535533)

Eurofins Ntd Llc (ga)
Classification: Uncertain significance. Last evaluated: 2016-10-11. Review status: criteria provided, single submitter. Criteria: EGL Classification Definitions 2015. Collection method: clinical testing. Allele origin: germline. Observed: 1 variant allele, 1 heterozygote.